The following is an entry in ClinVar:

NM_001393939.1(ANKRD36B):c.4053T>C (p.Phe1351=)

Gene: ANKRD36B (ankyrin repeat domain 36B; minus strand). Cytogenetic location: 2q11.2.
Variant type: single nucleotide variant.
Coding change: c.4053T>C on transcript NM_001393939.1 (MANE Select); coding-DNA position 4053, T replaced by C.
Protein change: p.Phe1351=; no amino-acid change (phenylalanine 1351 retained).
Molecular consequence: synonymous variant.
Genome position (GRCh38, 1-based): chr2:97,507,051, A>G on the plus strand (T>C on the coding strand, the complement: ANKRD36B is on the minus strand). VCF-style: chr2-97507051-A-G. GRCh37 (hg19) VCF-style: chr2-98123514-A-G.
Other names: c.4053T>C, p.Phe1351= (NM_025190.4).
Identifiers: ClinVar variation 3898471 (VCV003898471.7).

ClinVar aggregate classification (germline): Likely benign (1 of 4 stars; one submission).

Submission:

CeGaT Center for Human Genetics Tuebingen
Classification: Likely benign. Last evaluated: 2025-04-01. Review status: criteria provided, single submitter. Criteria: CeGaT Center For Human Genetics Tuebingen Variant Classification Criteria Version 2. Collection method: clinical testing. Allele origin: germline. Affected: yes. Observed: 1 variant allele.
Comment: ANKRD36B: PM2:Supporting, BP4, BP7